The following is an entry in ClinVar:

ClinVar aggregate classification (germline): Pathogenic/Likely pathogenic. Review status: criteria provided, multiple submitters, no conflicts (2 of 4 stars). 3 submissions from 3 submitters: Pathogenic (2); Likely pathogenic (1). Last evaluated 2025-12-12.

Conditions:
Cardiac valvular defect, developmental (CVDP1). Also called: CARDIAC VALVULAR DYSPLASIA 1. Identifiers: MedGen C5774175, MONDO:0008913, OMIM 212093.

Allele frequency attached by ClinVar (database versions not stated): gnomAD exomes 0.00006; 1000 Genomes Project 0.00040; TOPMed 0.00001; gnomAD 0.00003 and 0.00002; 1000 Genomes Project 30x 0.00031; ExAC 0.00006.

Submissions (3):

Center for Molecular Medicine, Children’s Hospital of Fudan University
Classification: Pathogenic for Cardiac valvular defect, developmental. Last evaluated: 2025-12-12. Review status: criteria provided, single submitter. Criteria: ACMG Guidelines 2015. Collection method: clinical testing. Allele origin: paternal. Affected: no.
Comment: PVS1+PM2_Supp+PM3

Department of Maternal-Fetal Biology, National Research Institute for Child Health and Development
Classification: Pathogenic for Cardiac valvular defect, developmental. Last evaluated: 2022-01-01. Review status: criteria provided, single submitter. Criteria: ACMG Guidelines, 2015. Collection method: research. Allele origin: biparental. Affected: yes. Observed: 1 variant allele.

Women's Health and Genetics/Laboratory Corporation of America, LabCorp
Classification: Likely pathogenic for Cardiac valvular defect, developmental. Last evaluated: 2020-12-21. Review status: criteria provided, single submitter. Criteria: LabCorp Variant Classification Summary - May 2015. Collection method: clinical testing. Allele origin: germline.
Comment: Variant summary: PLD1 c.1219C>T (p.Arg407X) results in a premature termination codon, predicted to cause a truncation of the encoded protein or absence of the protein due to nonsense mediated decay. The variant allele was found at a frequency of 6e-05 in 251114 control chromosomes (gnomAD). To our knowledge, no occurrence of c.1219C>T in individuals affected with Developmental Cardiac Valvular Defect and no experimental evidence demonstrating its impact on protein function have been reported. No clinical diagnostic laboratories have submitted clinical-significance assessments for this variant to ClinVar after 2014. Loss-of-function variants in the PLD1 gene have been reported in association with developmental cardiac valvular defects, and segregated with disease in different families (PMID: 27799408). Based on the evidence outlined above, the variant was classified as likely pathogenic.

NM_002662.5(PLD1):c.1219C>T (p.Arg407Ter)

Gene: PLD1 (phospholipase D1; minus strand). Cytogenetic location: 3q26.31.
Variant type: single nucleotide variant.
Coding change: c.1219C>T on transcript NM_002662.5 (MANE Select); coding-DNA position 1219, C replaced by T.
Protein change: p.Arg407Ter; replaces arginine 407 with a stop codon.
Molecular consequence: nonsense.
Genome position (GRCh38, 1-based): chr3:171,699,753, G>A on the plus strand (C>T on the coding strand, the complement: PLD1 is on the minus strand). VCF-style: chr3-171699753-G-A. GRCh37 (hg19) VCF-style: chr3-171417543-G-A.
Other names: c.1219C>T, p.Arg407Ter (NM_001130081.3); short protein forms R407*.
Identifiers: ClinVar variation 992233 (VCV000992233.5), dbSNP rs200206423, ClinGen allele CA2704700.